The following is an entry in ClinVar:

ClinVar aggregate classification (germline): Uncertain significance (1 of 4 stars; one submission).

Allele frequency attached by ClinVar (database versions not stated): gnomAD 0.00001; TOPMed 0.00001.
gnomAD v4.1: 1 of 1,613,250 alleles (0.000062%); highest among the groups gnomAD compares: Admixed American, 0.0017%; no homozygotes.

Submission:

Labcorp Genetics (formerly Invitae), Labcorp
Classification: Uncertain significance. Last evaluated: 2021-12-23. Review status: criteria provided, single submitter. Criteria: Invitae Variant Classification Sherloc (09022015). Collection method: clinical testing. Allele origin: germline.
Comment: This sequence change replaces isoleucine, which is neutral and non-polar, with threonine, which is neutral and polar, at codon 486 of the HMCN1 protein (p.Ile486Thr). This variant is not present in population databases (gnomAD no frequency). This variant has not been reported in the literature in individuals affected with HMCN1-related conditions. Algorithms developed to predict the effect of missense changes on protein structure and function are either unavailable or do not agree on the potential impact of this missense change (SIFT: "Deleterious"; PolyPhen-2: "Probably Damaging"; Align-GVGD: "Class C0"). In summary, the available evidence is currently insufficient to determine the role of this variant in disease. Therefore, it has been classified as a Variant of Uncertain Significance.

NM_031935.3(HMCN1):c.1457T>C (p.Ile486Thr)

Gene: HMCN1 (hemicentin 1; plus strand). Cytogenetic location: 1q31.1.
Variant type: single nucleotide variant.
Coding change: c.1457T>C on transcript NM_031935.3 (MANE Select); coding-DNA position 1457, T replaced by C.
Protein change: p.Ile486Thr; replaces isoleucine 486 with threonine.
Molecular consequence: missense variant.
Genome position (GRCh38, 1-based): chr1:185,928,572, T>C. VCF-style: chr1-185928572-T-C. GRCh37 (hg19) VCF-style: chr1-185897704-T-C.
Other names: short protein forms I486T.
Identifiers: ClinVar variation 1939328 (VCV001939328.5), dbSNP rs1667389772, ClinGen allele CA343865236.